The following is an entry in ClinVar:

NM_032656.4(DHX37):c.3125G>A (p.Arg1042His)

Gene: DHX37 (DEAH-box helicase 37; minus strand). Cytogenetic location: 12q24.31.
Variant type: single nucleotide variant.
Coding change: c.3125G>A on transcript NM_032656.4 (MANE Select); coding-DNA position 3125, G replaced by A.
Protein change: p.Arg1042His; replaces arginine 1042 with histidine.
Molecular consequence: missense variant.
Genome position (GRCh38, 1-based): chr12:124,950,240, C>T on the plus strand (G>A on the coding strand, the complement: DHX37 is on the minus strand). VCF-style: chr12-124950240-C-T. GRCh37 (hg19) VCF-style: chr12-125434786-C-T.
Other names: c.3125G>A (NM_032656.3); short protein forms R1042H.
Identifiers: ClinVar variation 2200681 (VCV002200681.10), dbSNP rs201416687, ClinGen allele CA6871341.

ClinVar aggregate classification (germline): Uncertain significance. Review status: criteria provided, multiple submitters, no conflicts (2 of 4 stars). 4 submissions from 4 submitters: Uncertain significance (4). Last evaluated 2025-12-19.

Conditions:
Inborn genetic diseases. Identifiers: MedGen C0950123, MeSH D030342.

Allele frequency attached by ClinVar (database versions not stated): ESP Exome Variant Server 0.00008; ExAC 0.00009; 1000 Genomes Project 30x 0.00016; gnomAD 0.00017; 1000 Genomes Project 0.00020; TOPMed 0.00020; gnomAD exomes 0.00025.

Submissions (4):

Labcorp Genetics (formerly Invitae), Labcorp
Classification: Uncertain significance. Last evaluated: 2025-12-19. Review status: criteria provided, single submitter. Criteria: Invitae Variant Classification Sherloc (09022015). Collection method: clinical testing. Allele origin: germline.
Comment: This sequence change replaces arginine, which is basic and polar, with histidine, which is basic and polar, at codon 1042 of the DHX37 protein (p.Arg1042His). This variant is present in population databases (rs201416687, gnomAD 0.08%). This variant has not been reported in the literature in individuals affected with DHX37-related conditions. ClinVar contains an entry for this variant (Variation ID: 2200681). Invitae Evidence Modeling of protein sequence and biophysical properties (such as structural, functional, and spatial information, amino acid conservation, physicochemical variation, residue mobility, and thermodynamic stability) indicates that this missense variant is not expected to disrupt DHX37 protein function with a negative predictive value of 80%. In summary, the available evidence is currently insufficient to determine the role of this variant in disease. Therefore, it has been classified as a Variant of Uncertain Significance.

GeneDx
Classification: Uncertain significance. Last evaluated: 2025-11-24. Review status: criteria provided, single submitter. Criteria: GeneDx Variant Classification Process June 2021. Collection method: clinical testing. Allele origin: germline. Affected: yes.
Comment: In silico analysis supports that this missense variant has a deleterious effect on protein structure/function; Has not been previously published as pathogenic or benign to our knowledge

Ambry Genetics
Classification: Uncertain significance for Inborn genetic diseases. Last evaluated: 2025-02-12. Review status: criteria provided, single submitter. Criteria: Ambry Variant Classification Scheme 2023. Collection method: clinical testing. Allele origin: germline.

Breakthrough Genomics
Classification: Uncertain significance. Review status: criteria provided, single submitter. Criteria: ACMG Guidelines, 2015. Collection method: not provided. Allele origin: germline. Inheritance: Autosomal recessive inheritance. Affected: yes.